The following is an entry in ClinVar:

ClinVar aggregate classification (germline): Likely benign (1 of 4 stars; one submission).

gnomAD v4.1: 17 of 1,614,086 alleles (0.0011%); highest among the groups gnomAD compares: South Asian, 0.0022%; no homozygotes.

Submission:

CeGaT Center for Human Genetics Tuebingen
Classification: Likely benign. Last evaluated: 2024-07-01. Review status: criteria provided, single submitter. Criteria: CeGaT Center For Human Genetics Tuebingen Variant Classification Criteria Version 2. Collection method: clinical testing. Allele origin: germline. Affected: yes. Observed: 1 variant allele.
Comment: DAB1: BP4

NM_001365792.1(DAB1):c.1085C>T (p.Pro362Leu)

Gene: DAB1 (DAB adaptor protein 1; minus strand). Cytogenetic location: 1p32.2.
Variant type: single nucleotide variant.
Coding change: c.1085C>T on transcript NM_001365792.1 (MANE Select); coding-DNA position 1085, C replaced by T.
Protein change: p.Pro362Leu; replaces proline 362 with leucine.
Molecular consequence: missense variant.
Genome position (GRCh38, 1-based): chr1:57,015,242, G>A on the plus strand (C>T on the coding strand, the complement: DAB1 is on the minus strand). VCF-style: chr1-57015242-G-A. GRCh37 (hg19) VCF-style: chr1-57480915-G-A.
Other names: c.1085C>T, p.Pro362Leu (NM_001353983.2, NM_001353985.2, NM_001365793.1 and 2 more transcripts); c.1079C>T, p.Pro360Leu (NM_001353986.2, NM_001379461.1); short protein forms P360L, P362L.
Identifiers: ClinVar variation 3257085 (VCV003257085.17).